The following is an entry in ClinVar:

NM_000257.4(MYH7):c.1845G>C (p.Lys615Asn)

Gene: MYH7 (myosin heavy chain 7; minus strand). Cytogenetic location: 14q11.2.
Variant type: single nucleotide variant.
Coding change: c.1845G>C on transcript NM_000257.4 (MANE Select); coding-DNA position 1845, G replaced by C.
Protein change: p.Lys615Asn; replaces lysine 615 with asparagine.
Molecular consequence: missense variant.
Genome position (GRCh38, 1-based): chr14:23,427,628, C>G on the plus strand (G>C on the coding strand, the complement: MYH7 is on the minus strand). VCF-style: chr14-23427628-C-G. GRCh37 (hg19) VCF-style: chr14-23896837-C-G.
Other names: c.1845G>C, p.Lys615Asn (NM_001407004.1); short protein forms K615N.
Identifiers: ClinVar variation 3230898 (VCV003230898.1), dbSNP rs1164270609, ClinGen allele CA389049696.

ClinVar aggregate classification (germline): Uncertain significance (1 of 4 stars; one submission).

Conditions:
Cardiovascular phenotype. Identifiers: MedGen CN230736.

Submission:

Ambry Genetics
Classification: Uncertain significance for Cardiovascular phenotype. Last evaluated: 2024-02-29. Review status: criteria provided, single submitter. Criteria: Ambry Variant Classification Scheme 2023. Collection method: clinical testing. Allele origin: germline.
Comment: The p.K615N variant (also known as c.1845G>C), located in coding exon 14 of the MYH7 gene, results from a G to C substitution at nucleotide position 1845. The lysine at codon 615 is replaced by asparagine, an amino acid with similar properties. This alteration has been reported in association with hypertrophic cardiomyopathy (HCM) (Smart RV et al. Clin Genet, 1996 Oct;50:169-75; Hayashi T et al. J Hum Genet, 2018 Sep;63:989-996). This alteration is located in the myosin head domain, which contains a statistically significant clustering of pathogenic missense variants (Homburger JR et al. Proc Natl Acad Sci U S A, 2016 06;113:6701-6; Walsh R et al. Genet Med, 2017 02;19:192-203; Ambry internal data). This amino acid position is highly conserved in available vertebrate species. In addition, this alteration is predicted to be tolerated by in silico analysis. Based on the available evidence, the clinical significance of this alteration remains unclear.

Literature cited by the submitters: PubMed 1417858; PubMed 29907873; PubMed 9001794.